The following is an entry in ClinVar:

ClinVar aggregate classification (germline): Conflicting classifications of pathogenicity. Review status: criteria provided, conflicting classifications (1 of 4 stars). 2 submissions from 2 submitters: Uncertain significance (1); Likely benign (1). Last evaluated 2024-10-21.

Conditions:
Inborn genetic diseases. Identifiers: MedGen C0950123, MeSH D030342.

Allele frequency attached by ClinVar (database versions not stated): TOPMed 0.00004; gnomAD 0.00005 and 0.00006; gnomAD exomes 0.00005; ExAC 0.00006.

Submissions (2):

Ambry Genetics
Classification: Likely benign for Inborn genetic diseases. Last evaluated: 2024-10-21. Review status: criteria provided, single submitter. Criteria: Ambry Variant Classification Scheme 2023. Collection method: clinical testing. Allele origin: germline.

Labcorp Genetics (formerly Invitae), Labcorp
Classification: Uncertain significance. Last evaluated: 2021-08-11. Review status: criteria provided, single submitter. Criteria: Invitae Variant Classification Sherloc (09022015). Collection method: clinical testing. Allele origin: germline.
Comment: This sequence change replaces valine with methionine at codon 913 of the EIF2AK3 protein (p.Val913Met). The valine residue is weakly conserved and there is a small physicochemical difference between valine and methionine. This variant is present in population databases (rs761829897, ExAC 0.009%). This variant has not been reported in the literature in individuals affected with EIF2AK3-related conditions. Algorithms developed to predict the effect of missense changes on protein structure and function output the following: SIFT: "Tolerated"; PolyPhen-2: "Benign"; Align-GVGD: "Class C0". The methionine amino acid residue is found in multiple mammalian species, which suggests that this missense change does not adversely affect protein function. In summary, the available evidence is currently insufficient to determine the role of this variant in disease. Therefore, it has been classified as a Variant of Uncertain Significance.

NM_004836.7(EIF2AK3):c.2737G>A (p.Val913Met)

Genes: EIF2AK3 (eukaryotic translation initiation factor 2 alpha kinase 3; minus strand), EIF2AK3-AS1 (EIF2AK3 antisense RNA 1; plus strand). Cytogenetic location: 2p11.2.
Variant type: single nucleotide variant.
Coding change: c.2737G>A on transcript NM_004836.7 (MANE Select); coding-DNA position 2737, G replaced by A.
Protein change: p.Val913Met; replaces valine 913 with methionine.
Molecular consequence: missense variant. On other transcripts: non-coding transcript variant (1).
Genome position (GRCh38, 1-based): chr2:88,574,746, C>T on the plus strand (G>A on the coding strand, the complement: EIF2AK3 is on the minus strand). VCF-style: chr2-88574746-C-T. GRCh37 (hg19) VCF-style: chr2-88874264-C-T.
Other names: c.2284G>A, p.Val762Met (NM_001313915.2); c.2737G>A (NM_004836.5); short protein forms V913M, V762M.
Identifiers: ClinVar variation 1446842 (VCV001446842.4), dbSNP rs761829897, ClinGen allele CA1754416.
Genomic context (GRCh38, chr2:88,574,746, plus strand): 5'-GTCCTTTACTGTGAAGAAACTCCACTGCCTCTGCGATCTGCAGGAAGATGTGCAGACACA[C>T]GCTCCTCTCTCTCTCCTCTATGGTACATCGTCCATTCATCCAGTCTTTGAGGTTTTCTTT-3'
Protein context (NP_004827.4, residues 903-923): RCTIEERERS[Val913Met]CLHIFLQIAE